The following is an entry in ClinVar:

ClinVar aggregate classification (germline): Uncertain significance (1 of 4 stars; one submission).

Conditions:
Arginine:glycine amidinotransferase deficiency (CCDS3). Also called: AGAT deficiency; L-Arginine:Glycine Amidinotransferase Deficiency; Creatine deficiency syndrome due to AGAT deficiency; GATM deficiency; L-Arginine:Glycine Amidinotransferase (AGAT) Deficiency; Cerebral creatine deficiency syndrome 3. Identifiers: Orphanet 35704, MedGen C2675179, MONDO:0012996, OMIM 612718.

Allele frequency attached by ClinVar (database versions not stated): TOPMed below 0.00001; ExAC 0.00001.
gnomAD v4.1: 4 of 1,614,174 alleles (0.00025%); highest among the groups gnomAD compares: Admixed American, 0.0067%; no homozygotes.

Submission:

Labcorp Genetics (formerly Invitae), Labcorp
Classification: Uncertain significance for Arginine:glycine amidinotransferase deficiency. Last evaluated: 2024-10-16. Review status: criteria provided, single submitter. Criteria: Invitae Variant Classification Sherloc (09022015). Collection method: clinical testing. Allele origin: germline.
Comment: This sequence change replaces asparagine, which is neutral and polar, with histidine, which is basic and polar, at codon 132 of the GATM protein (p.Asn132His). This variant is present in population databases (rs767740292, gnomAD 0.01%). This variant has not been reported in the literature in individuals affected with GATM-related conditions. ClinVar contains an entry for this variant (Variation ID: 1448711). Invitae Evidence Modeling of protein sequence and biophysical properties (such as structural, functional, and spatial information, amino acid conservation, physicochemical variation, residue mobility, and thermodynamic stability) indicates that this missense variant is not expected to disrupt GATM protein function with a negative predictive value of 95%. In summary, the available evidence is currently insufficient to determine the role of this variant in disease. Therefore, it has been classified as a Variant of Uncertain Significance.

NM_001482.3(GATM):c.394A>C (p.Asn132His)

Gene: GATM (glycine amidinotransferase; minus strand). Cytogenetic location: 15q21.1.
Variant type: single nucleotide variant.
Coding change: c.394A>C on transcript NM_001482.3 (MANE Select); coding-DNA position 394, A replaced by C.
Protein change: p.Asn132His; replaces asparagine 132 with histidine.
Molecular consequence: missense variant.
Genome position (GRCh38, 1-based): chr15:45,369,416, T>G on the plus strand (A>C on the coding strand, the complement: GATM is on the minus strand). VCF-style: chr15-45369416-T-G. GRCh37 (hg19) VCF-style: chr15-45661614-T-G.
Other names: c.7A>C, p.Asn3His (NM_001321015.2); short protein forms N3H, N132H.
Identifiers: ClinVar variation 1448711 (VCV001448711.6), dbSNP rs767740292, ClinGen allele CA7542941.